The following is an entry in ClinVar:

ClinVar aggregate classification (germline): Uncertain significance. Review status: criteria provided, multiple submitters, no conflicts (2 of 4 stars). 2 submissions from 2 submitters: Uncertain significance (2). Last evaluated 2024-05-07.

Conditions:
Hereditary cancer-predisposing syndrome. Also called: Hereditary Cancer Syndrome; Hereditary neoplastic syndrome; Neoplastic Syndromes, Hereditary; Tumor predisposition. Identifiers: Orphanet 140162, MedGen C0027672, MeSH D009386, MONDO:0015356.
DICER1-related tumor predisposition. Also called: DICER1 syndrome; DICER1-related pleuropulmonary blastoma cancer predisposition syndrome. Identifiers: Orphanet 284343, MedGen C3839822, MONDO:0100216.

Submissions (2):

Ambry Genetics
Classification: Uncertain significance for Hereditary cancer-predisposing syndrome. Last evaluated: 2024-05-07. Review status: criteria provided, single submitter. Criteria: Ambry Variant Classification Scheme 2023. Collection method: clinical testing. Allele origin: germline.
Comment: The p.K1615E variant (also known as c.4843A>G), located in coding exon 22 of the DICER1 gene, results from an A to G substitution at nucleotide position 4843. The lysine at codon 1615 is replaced by glutamic acid, an amino acid with similar properties. This amino acid position is conserved. In addition, this alteration is predicted to be tolerated by in silico analysis. Based on the available evidence, the clinical significance of this variant remains unclear.

Labcorp Genetics (formerly Invitae), Labcorp
Classification: Uncertain significance for DICER1-related tumor predisposition. Last evaluated: 2022-10-13. Review status: criteria provided, single submitter. Criteria: Invitae Variant Classification Sherloc (09022015). Collection method: clinical testing. Allele origin: germline.
Comment: This sequence change replaces lysine, which is basic and polar, with glutamic acid, which is acidic and polar, at codon 1615 of the DICER1 protein (p.Lys1615Glu). In summary, the available evidence is currently insufficient to determine the role of this variant in disease. Therefore, it has been classified as a Variant of Uncertain Significance. Algorithms developed to predict the effect of missense changes on protein structure and function (SIFT, PolyPhen-2, Align-GVGD) all suggest that this variant is likely to be tolerated. This variant has not been reported in the literature in individuals affected with DICER1-related conditions. This variant is not present in population databases (gnomAD no frequency).

NM_177438.3(DICER1):c.4843A>G (p.Lys1615Glu)

Gene: DICER1 (dicer 1, ribonuclease III; minus strand). Cytogenetic location: 14q32.13.
Variant type: single nucleotide variant.
Coding change: c.4843A>G on transcript NM_177438.3 (MANE Select); coding-DNA position 4843, A replaced by G.
Protein change: p.Lys1615Glu; replaces lysine 1615 with glutamic acid.
Molecular consequence: missense variant. On other transcripts: non-coding transcript variant (6).
Genome position (GRCh38, 1-based): chr14:95,096,077, T>C on the plus strand (A>G on the coding strand, the complement: DICER1 is on the minus strand). VCF-style: chr14-95096077-T-C. GRCh37 (hg19) VCF-style: chr14-95562414-T-C.
Other names: c.4843A>G, p.Lys1615Glu (NM_001195573.1, NM_001271282.3, NM_001291628.2 and 13 more transcripts); c.4561A>G, p.Lys1521Glu (NM_001395686.1); c.4438A>G, p.Lys1480Glu (NM_001395687.1, NM_001395688.1, NM_001395689.1 and 2 more transcripts); c.4276A>G, p.Lys1426Glu (NM_001395691.1); c.3160A>G, p.Lys1054Glu (NM_001395697.1); short protein forms K1054E, K1426E, K1480E, K1521E, K1615E.
Identifiers: ClinVar variation 1721534 (VCV001721534.7), dbSNP rs2542483765, ClinGen allele CA390866806.
Genomic context (GRCh38, chr14:95,096,077, plus strand): 5'-TCAATACAGAAGAGCGTGAACTGGCCACAGAAGCAGCAGCACAGCTCACTGAAAGGTTCT[T>C]TTGTTGGCTGTTGAAATTCTCCCGAGTAGGGCACAGGGCCTTTTCCCGATCAGTCCTTTT-3'
Protein context (NP_803187.1, residues 1605-1625): PTRENFNSQQ[Lys1615Glu]NLSVSCAAAS